The following is an entry in ClinVar:

ClinVar aggregate classification (germline): Uncertain significance (1 of 4 stars; one submission).

Conditions:
Inborn genetic diseases. Identifiers: MedGen C0950123, MeSH D030342.

Submission:

Ambry Genetics
Classification: Uncertain significance for Inborn genetic diseases. Last evaluated: 2025-01-06. Review status: criteria provided, single submitter. Criteria: Ambry Variant Classification Scheme 2023. Collection method: clinical testing. Allele origin: germline.
Comment: The p.Y963S variant (also known as c.2888A>C), located in coding exon 1 of the SAMD9 gene, results from an A to C substitution at nucleotide position 2888. The tyrosine at codon 963 is replaced by serine, an amino acid with dissimilar properties. This amino acid position is conserved. In addition, this alteration is predicted to be tolerated by in silico analysis. Based on the available evidence, the clinical significance of this variant remains unclear.

NM_017654.4(SAMD9):c.2888A>C (p.Tyr963Ser)

Gene: SAMD9 (sterile alpha motif domain containing 9; minus strand). Cytogenetic location: 7q21.2.
Variant type: single nucleotide variant.
Coding change: c.2888A>C on transcript NM_017654.4 (MANE Select); coding-DNA position 2888, A replaced by C.
Protein change: p.Tyr963Ser; replaces tyrosine 963 with serine.
Molecular consequence: missense variant.
Genome position (GRCh38, 1-based): chr7:93,103,210, T>G on the plus strand (A>C on the coding strand, the complement: SAMD9 is on the minus strand). VCF-style: chr7-93103210-T-G. GRCh37 (hg19) VCF-style: chr7-92732523-T-G.
Other names: c.2888A>C, p.Tyr963Ser (NM_001193307.2); short protein forms Y963S.
Identifiers: ClinVar variation 3791979 (VCV003791979.1).